The following is an entry in ClinVar:

NM_006494.4(ERF):c.571G>C (p.Asp191His)

Gene: ERF (ETS2 repressor factor; minus strand). Cytogenetic location: 19q13.2.
Variant type: single nucleotide variant.
Coding change: c.571G>C on transcript NM_006494.4 (MANE Select); coding-DNA position 571, G replaced by C.
Protein change: p.Asp191His; replaces aspartic acid 191 with histidine.
Molecular consequence: missense variant. On other transcripts: 5 prime UTR variant (1).
Genome position (GRCh38, 1-based): chr19:42,249,541, C>G on the plus strand (G>C on the coding strand, the complement: ERF is on the minus strand). VCF-style: chr19-42249541-C-G. GRCh37 (hg19) VCF-style: chr19-42753693-C-G.
Other names: c.346G>C, p.Asp116His (NM_001301035.2, NM_001308402.2, NM_001312656.2 and 1 more transcripts); c.-237G>C (NM_001440421.1); short protein forms D116H, D191H.
Identifiers: ClinVar variation 4281977 (VCV004281977.1).

ClinVar aggregate classification (germline): Uncertain significance (1 of 4 stars; one submission).

Submission:

GeneDx
Classification: Uncertain significance. Last evaluated: 2025-04-11. Review status: criteria provided, single submitter. Criteria: GeneDx Variant Classification Process June 2021. Collection method: clinical testing. Allele origin: germline. Affected: yes.
Comment: Not observed at significant frequency in large population cohorts (gnomAD); In silico analysis indicates that this missense variant does not alter protein structure/function; Has not been previously published as pathogenic or benign to our knowledge